The following is an entry in ClinVar:

ClinVar aggregate classification (germline): Uncertain significance (1 of 4 stars; one submission).

gnomAD v4.1: 16 of 1,491,046 alleles (0.0011%); highest among the groups gnomAD compares: East Asian, 0.0024%; no homozygotes.

Submission:

Labcorp Genetics (formerly Invitae), Labcorp
Classification: Uncertain significance. Last evaluated: 2023-09-21. Review status: criteria provided, single submitter. Criteria: Invitae Variant Classification Sherloc (09022015). Collection method: clinical testing. Allele origin: germline.
Comment: In summary, the available evidence is currently insufficient to determine the role of this variant in disease. Therefore, it has been classified as a Variant of Uncertain Significance. Advanced modeling of protein sequence and biophysical properties (such as structural, functional, and spatial information, amino acid conservation, physicochemical variation, residue mobility, and thermodynamic stability) performed at Invitae indicates that this missense variant is not expected to disrupt ACAN protein function. ClinVar contains an entry for this variant (Variation ID: 1967564). This variant has not been reported in the literature in individuals affected with ACAN-related conditions. The frequency data for this variant in the population databases is considered unreliable, as metrics indicate poor data quality at this position in the gnomAD database. This sequence change replaces valine, which is neutral and non-polar, with methionine, which is neutral and non-polar, at codon 463 of the ACAN protein (p.Val463Met).

NM_001369268.1(ACAN):c.1387G>A (p.Val463Met)

Gene: ACAN (aggrecan; plus strand). Cytogenetic location: 15q26.1.
Variant type: single nucleotide variant.
Coding change: c.1387G>A on transcript NM_001369268.1 (MANE Select); coding-DNA position 1387, G replaced by A.
Protein change: p.Val463Met; replaces valine 463 with methionine.
Molecular consequence: missense variant.
Genome position (GRCh38, 1-based): chr15:88,845,840, G>A. VCF-style: chr15-88845840-G-A. GRCh37 (hg19) VCF-style: chr15-89389071-G-A.
Other names: c.1387G>A, p.Val463Met (NM_001135.4, NM_001411096.1, NM_001411097.1 and 1 more transcripts); short protein forms V463M.
Identifiers: ClinVar variation 1967564 (VCV001967564.5), dbSNP rs777892697, ClinGen allele CA7719532.